The following is an entry in ClinVar:

NM_000505.4(F12):c.418C>G (p.Leu140Val)

Gene: F12 (coagulation factor XII; minus strand). Cytogenetic location: 5q35.3.
Variant type: single nucleotide variant.
Coding change: c.418C>G on transcript NM_000505.4 (MANE Select); coding-DNA position 418, C replaced by G.
Protein change: p.Leu140Val; replaces leucine 140 with valine.
Molecular consequence: missense variant.
Genome position (GRCh38, 1-based): chr5:177,405,165, G>C on the plus strand (C>G on the coding strand, the complement: F12 is on the minus strand). VCF-style: chr5-177405165-G-C. GRCh37 (hg19) VCF-style: chr5-176832166-G-C.
Other names: short protein forms L140V.
Identifiers: ClinVar variation 353001 (VCV000353001.48), dbSNP rs35515200, ClinGen allele CA3581488.

ClinVar aggregate classification (germline): Conflicting classifications of pathogenicity. Review status: criteria provided, conflicting classifications (1 of 4 stars). 12 submissions from 11 submitters: Uncertain significance (1); Benign (2); Likely benign (5). 4 of the submissions do not count toward it. Last evaluated 2026-06-01.

Conditions:
F12-related disorder. Also called: F12-related condition; F12-related disorders. Identifiers: MedGen CN239389.
Factor XII deficiency disease. Also called: F12 DEFICIENCY; HAF DEFICIENCY; Reduced factor XII activity; Congenital factor XII deficiency. Identifiers: Orphanet 330, MedGen C0015526, MONDO:0009315, OMIM 234000, HP:0004841.
Hereditary angioedema type 3 (HAE3). Also called: ESTROGEN-RELATED HAE; ESTROGEN-SENSITIVE HAE; HAE WITH NORMAL C1 INHIBITOR CONCENTRATION AND FUNCTION; ANGIONEUROTIC EDEMA, HEREDITARY, WITH NORMAL C1 INHIBITOR CONCENTRATION AND FUNCTION. Identifiers: Orphanet 100054, MedGen C1857728, MONDO:0012526, OMIM 610618.

Allele frequency attached by ClinVar (database versions not stated): 1000 Genomes Project 0.00180; 1000 Genomes Project 30x 0.00187; gnomAD exomes 0.00220 and 0.00296; ExAC 0.00222; gnomAD 0.00247 and 0.00248; TOPMed 0.00276; ESP Exome Variant Server 0.00284.

Submissions (12):

CeGaT Center for Human Genetics Tuebingen
Classification: Likely benign. Last evaluated: 2026-06-01. Review status: criteria provided, single submitter. Criteria: CeGaT Center For Human Genetics Tuebingen Variant Classification Criteria Version 2. Collection method: clinical testing. Allele origin: germline. Affected: yes. Observed: 11 variant alleles.
Comment: F12: BP4, BS1

Labcorp Genetics (formerly Invitae), Labcorp
Classification: Likely benign. Last evaluated: 2025-11-04. Review status: criteria provided, single submitter. Criteria: Invitae Variant Classification Sherloc (09022015). Collection method: clinical testing. Allele origin: germline.

Blueprint Genetics
Classification: Likely benign. Last evaluated: 2024-11-20. Review status: criteria provided, single submitter. Criteria: ACMG Guidelines, 2015. Collection method: clinical testing. Allele origin: germline.

GeneDx
Classification: Uncertain significance. Last evaluated: 2022-09-20. Review status: criteria provided, single submitter. Criteria: GeneDx Variant Classification Process June 2021. Collection method: clinical testing. Allele origin: germline. Affected: yes.
Comment: Identified in one individual from a large cohort with deep vein thrombosis, however no specific clinical or other genetic details were provided for the patient (Lotta et al., 2012); In silico analysis supports that this missense variant does not alter protein structure/function; This variant is associated with the following publications: (PMID: 22353194)

Illumina Laboratory Services, Illumina
Classification: Likely benign for Factor XII deficiency disease. Last evaluated: 2018-01-12. Review status: criteria provided, single submitter. Criteria: ICSL Variant Classification Criteria 13 December 2019. Collection method: clinical testing. Allele origin: germline.
Comment: This variant was observed in the ICSL laboratory as part of a predisposition screen in an ostensibly healthy population. It had not been previously curated by ICSL or reported in the Human Gene Mutation Database (HGMD: prior to June 1st, 2018), and was therefore a candidate for classification through an automated scoring system. Utilizing variant allele frequency, disease prevalence and penetrance estimates, and inheritance mode, an automated score was calculated to assess if this variant is too frequent to cause the disease. Based on the score and internal cut-off values, a variant classified as likely benign is not then subjected to further curation. The score for this variant resulted in a classification of likely benign for this disease.

Illumina Laboratory Services, Illumina
Classification: Benign for Hereditary angioedema type 3. Last evaluated: 2018-01-12. Review status: criteria provided, single submitter. Criteria: ICSL Variant Classification Criteria 13 December 2019. Collection method: clinical testing. Allele origin: germline.
Comment: This variant was observed in the ICSL laboratory as part of a predisposition screen in an ostensibly healthy population. It had not been previously curated by ICSL or reported in the Human Gene Mutation Database (HGMD: prior to June 1st, 2018), and was therefore a candidate for classification through an automated scoring system. Utilizing variant allele frequency, disease prevalence and penetrance estimates, and inheritance mode, an automated score was calculated to assess if this variant is too frequent to cause the disease. Based on the score and internal cut-off values, a variant classified as benign is not then subjected to further curation. The score for this variant resulted in a classification of benign for this disease.

Breakthrough Genomics
Classification: Likely benign. Review status: criteria provided, single submitter. Criteria: ACMG Guidelines, 2015. Collection method: not provided. Allele origin: germline. Inheritance: Autosomal recessive inheritance. Affected: yes.

CeMIA
Classification: Benign for Hereditary angioedema type 3. Review status: criteria provided, single submitter. Criteria: ACMG Guidelines, 2015. Collection method: clinical testing. Allele origin: germline. Affected: no. Observed: 6 variant alleles.
Comment: Family segregation study performed in the two families of U-HAE revealed the mutation in three healthy family members (two males and one female). Bioinformatic analysis by SIFT and PolyPhen2 algorithms predicted this mutation as tolerated and possibly damaging, respectively. It has been detected in 0.2232% alleles worldwide (gnomAD database) and its allele frequency is greater than that expected for FXII-HAE. The mutation is characterized as likely benign in ClinVar database in association to hereditary angioedema. Taking all the above into account and according to ACMG Guidelines (Criteria: BS1, BS2, BP5, BP6) the variant is considered benign.

PreventionGenetics, part of Exact Sciences
Classification: Likely benign for F12-related condition. Last evaluated: 2022-07-12. Review status: no assertion criteria provided. Collection method: clinical testing. Allele origin: germline. Not counted in ClinVar's aggregate classification.
Comment: This variant is classified as likely benign based on ACMG/AMP sequence variant interpretation guidelines (Richards et al. 2015 PMID: 25741868, with internal and published modifications).

Clinical Genetics DNA and cytogenetics Diagnostics Lab, Erasmus MC, Erasmus Medical Center
Classification: Likely benign. Review status: no assertion criteria provided. Collection method: clinical testing. Allele origin: germline. Affected: yes. Study: VKGL Data-share Consensus. Not counted in ClinVar's aggregate classification.

Genome Diagnostics Laboratory, University Medical Center Utrecht
Classification: Likely benign. Review status: no assertion criteria provided. Collection method: clinical testing. Allele origin: germline. Affected: yes. Study: VKGL Data-share Consensus. Not counted in ClinVar's aggregate classification.

Joint Genome Diagnostic Labs from Nijmegen and Maastricht, Radboudumc and MUMC+
Classification: Likely benign. Review status: no assertion criteria provided. Collection method: clinical testing. Allele origin: germline. Affected: yes. Study: VKGL Data-share Consensus. Not counted in ClinVar's aggregate classification.